The following is an entry in ClinVar:

ClinVar aggregate classification (germline): Uncertain significance. Review status: criteria provided, multiple submitters, no conflicts (2 of 4 stars). 2 submissions from 2 submitters: Uncertain significance (2). Last evaluated 2023-06-29.

Conditions:
Juvenile polyposis syndrome (JPS). Identifiers: Orphanet 2929, MedGen C0345893, MONDO:0017380, OMIM 174900.
Hereditary cancer-predisposing syndrome. Also called: Tumor predisposition; Neoplastic Syndromes, Hereditary; Hereditary Cancer Syndrome; Hereditary neoplastic syndrome. Identifiers: Orphanet 140162, MedGen C0027672, MeSH D009386, MONDO:0015356.

Submissions (2):

Labcorp Genetics (formerly Invitae), Labcorp
Classification: Uncertain significance for Juvenile polyposis syndrome. Last evaluated: 2023-06-29. Review status: criteria provided, single submitter. Criteria: Invitae Variant Classification Sherloc (09022015). Collection method: clinical testing. Allele origin: germline.
Comment: This sequence change replaces glutamic acid, which is acidic and polar, with lysine, which is basic and polar, at codon 307 of the SMAD4 protein (p.Glu307Lys). This variant is not present in population databases (gnomAD no frequency). This variant has not been reported in the literature in individuals affected with SMAD4-related conditions. ClinVar contains an entry for this variant (Variation ID: 492501). Advanced modeling of protein sequence and biophysical properties (such as structural, functional, and spatial information, amino acid conservation, physicochemical variation, residue mobility, and thermodynamic stability) has been performed at Invitae for this missense variant, however the output from this modeling did not meet the statistical confidence thresholds required to predict the impact of this variant on SMAD4 protein function. In summary, the available evidence is currently insufficient to determine the role of this variant in disease. Therefore, it has been classified as a Variant of Uncertain Significance.

Color Diagnostics, LLC DBA Color Health
Classification: Uncertain significance for Hereditary cancer-predisposing syndrome. Last evaluated: 2023-03-06. Review status: criteria provided, single submitter. Criteria: ACMG Guidelines, 2015. Collection method: clinical testing. Allele origin: germline.
Comment: This missense variant replaces glutamic acid with lysine at codon 307 of the SMAD4 protein. Computational prediction is inconclusive regarding the impact of this variant on protein structure and function (internally defined REVEL score threshold 0.5 < inconclusive < 0.7, PMID: 27666373). To our knowledge, functional studies have not been reported for this variant. This variant has not been reported in individuals affected with SMAD4-related disorders in the literature. This variant has not been identified in the general population by the Genome Aggregation Database (gnomAD). The available evidence is insufficient to determine the role of this variant in disease conclusively. Therefore, this variant is classified as a Variant of Uncertain Significance.

NM_005359.6(SMAD4):c.919G>A (p.Glu307Lys)

Gene: SMAD4 (SMAD family member 4; plus strand). Cytogenetic location: 18q21.2.
Variant type: single nucleotide variant.
Coding change: c.919G>A on transcript NM_005359.6 (MANE Select); coding-DNA position 919, G replaced by A.
Protein change: p.Glu307Lys; replaces glutamic acid 307 with lysine.
Molecular consequence: missense variant.
Genome position (GRCh38, 1-based): chr18:51,059,880, G>A. VCF-style: chr18-51059880-G-A. GRCh37 (hg19) VCF-style: chr18-48586250-G-A.
Other names: short protein forms E307K.
Identifiers: ClinVar variation 492501 (VCV000492501.8), dbSNP rs1555686079, ClinGen allele CA402463665.